The following is an entry in ClinVar:

NM_001378454.1(ALMS1):c.3882C>T (p.Ser1294=)

Gene: ALMS1 (ALMS1 centrosome and basal body associated protein; plus strand). Cytogenetic location: 2p13.1.
Variant type: single nucleotide variant.
Coding change: c.3882C>T on transcript NM_001378454.1 (MANE Select); coding-DNA position 3882, C replaced by T.
Protein change: p.Ser1294=; no amino-acid change (serine 1294 retained).
Molecular consequence: synonymous variant.
Genome position (GRCh38, 1-based): chr2:73,450,409, C>T. VCF-style: chr2-73450409-C-T. GRCh37 (hg19) VCF-style: chr2-73677536-C-T.
Other names: c.3885C>T, p.Ser1295= (NM_015120.4).
Identifiers: ClinVar variation 772673 (VCV000772673.8), dbSNP rs746658957, ClinGen allele CA1713606.

ClinVar aggregate classification (germline): Likely benign. Review status: criteria provided, single submitter (1 of 4 stars). 2 submissions from 2 submitters: Likely benign (1). 1 of the submissions does not count toward it. Last evaluated 2025-04-07.

Conditions:
ALMS1-related disorder. Also called: ALMS1-related condition.
Alstrom syndrome (ALMS). Identifiers: Orphanet 64, MedGen C0268425, MONDO:0008763, OMIM 203800.

Allele frequency attached by ClinVar (database versions not stated): gnomAD exomes 0.00001; ExAC 0.00002; gnomAD 0.00002; TOPMed 0.00002.

Submissions (2):

Labcorp Genetics (formerly Invitae), Labcorp
Classification: Likely benign for Alstrom syndrome. Last evaluated: 2025-04-07. Review status: criteria provided, single submitter. Criteria: Invitae Variant Classification Sherloc (09022015). Collection method: clinical testing. Allele origin: germline.

PreventionGenetics, part of Exact Sciences
Classification: Likely benign for ALMS1-related condition. Last evaluated: 2024-03-15. Review status: no assertion criteria provided. Collection method: clinical testing. Allele origin: germline. Not counted in ClinVar's aggregate classification.
Comment: This variant is classified as likely benign based on ACMG/AMP sequence variant interpretation guidelines (Richards et al. 2015 PMID: 25741868, with internal and published modifications).